The following is an entry in ClinVar:

NM_001363711.2(DUOX2):c.4418A>C (p.Gln1473Pro)

Gene: DUOX2 (dual oxidase 2; minus strand). Cytogenetic location: 15q21.1.
Variant type: single nucleotide variant.
Coding change: c.4418A>C on transcript NM_001363711.2 (MANE Select); coding-DNA position 4418, A replaced by C.
Protein change: p.Gln1473Pro; replaces glutamine 1473 with proline.
Molecular consequence: missense variant.
Genome position (GRCh38, 1-based): chr15:45,094,669, T>G on the plus strand (A>C on the coding strand, the complement: DUOX2 is on the minus strand). VCF-style: chr15-45094669-T-G. GRCh37 (hg19) VCF-style: chr15-45386867-T-G.
Other names: c.4418A>C, p.Gln1473Pro (NM_014080.5); short protein forms Q1473P.
Identifiers: ClinVar variation 4532389 (VCV004532389.3).

ClinVar aggregate classification (germline): Uncertain significance. Review status: criteria provided, multiple submitters, no conflicts (2 of 4 stars). 2 submissions from 2 submitters: Uncertain significance (2). Last evaluated 2026-02-03.

Conditions:
DUOX2-related disorder. Also called: DUOX2-related condition.

gnomAD v4.1: 3 of 1,613,954 alleles (0.00019%); highest among the groups gnomAD compares: South Asian, 0.0033%; no homozygotes.

Submissions (2):

GeneDx
Classification: Uncertain significance. Last evaluated: 2026-02-03. Review status: criteria provided, single submitter. Criteria: GeneDx Variant Classification Process June 2021. Collection method: clinical testing. Allele origin: germline.
Comment: In silico analysis supports that this missense variant has a deleterious effect on protein structure/function; Has not been previously published as pathogenic or benign to our knowledge

PreventionGenetics, part of Exact Sciences
Classification: Uncertain significance for DUOX2-related condition. Last evaluated: 2024-12-13. Review status: criteria provided, single submitter. Criteria: ACMG Guidelines, 2015. Collection method: clinical testing. Allele origin: germline.
Comment: The DUOX2 c.4418A>C variant is predicted to result in the amino acid substitution p.Gln1473Pro. To our knowledge, this variant has not been reported in the literature. This variant is reported in 0.0033% of alleles in individuals of South Asian descent in gnomAD. At this time, the clinical significance of this variant is uncertain due to the absence of conclusive functional and genetic evidence.